The following is an entry in ClinVar:

NC_000010.11:g.95682805del

Gene: TCTN3 (tectonic family member 3; minus strand). Cytogenetic location: 10q24.1.
Variant type: Deletion.
Genome position: GRCh38 VCF-style: chr10-95682803-AC-A. GRCh37 (hg19) VCF-style: chr10-97442560-AC-A.
Identifiers: ClinVar variation 3750737 (VCV003750737.2).

ClinVar aggregate classification (germline): Pathogenic (1 of 4 stars; one submission).

Conditions:
Joubert syndrome 18 (JBTS18). Identifiers: Orphanet 2754, MedGen C3553758, MONDO:0013896, OMIM 614815.
Orofacial-digital syndrome IV (OFD4). Also called: BARAITSER-BURN SYNDROME; OFD SYNDROME WITH TIBIAL DEFECTS; OFD SYNDROME, BARAITSER-BURN TYPE; OFDS IV; ORAL-FACIAL-DIGITAL SYNDROME, TYPE IV; Orofaciodigital syndrome IV. Identifiers: Orphanet 2753, MedGen C0406727, MONDO:0009794, OMIM 258860.

Submission:

Labcorp Genetics (formerly Invitae), Labcorp
Classification: Pathogenic for Joubert syndrome 18; Orofacial-digital syndrome IV. Last evaluated: 2024-06-08. Review status: criteria provided, single submitter. Criteria: Invitae Variant Classification Sherloc (09022015). Collection method: clinical testing. Allele origin: germline.
Comment: This sequence change creates a premature translational stop signal (p.Arg433Serfs*2) in the TCTN3 gene. It is expected to result in an absent or disrupted protein product. Loss-of-function variants in TCTN3 are known to be pathogenic (PMID: 2692869, 22883145, 25118024). This variant is not present in population databases (gnomAD no frequency). This variant has not been reported in the literature in individuals affected with TCTN3-related conditions. Algorithms developed to predict the effect of sequence changes on RNA splicing suggest that this variant may disrupt the consensus splice site. For these reasons, this variant has been classified as Pathogenic.

Literature cited by the submitters: PubMed 2692869; PubMed 22883145; PubMed 25118024.